The following is an entry in ClinVar:

ClinVar aggregate classification (germline): Likely benign (1 of 4 stars; one submission).

gnomAD v4.1: 80 of 1,613,944 alleles (0.005%); highest among the groups gnomAD compares: African/African-American, 0.011%; no homozygotes.

Submission:

CeGaT Center for Human Genetics Tuebingen
Classification: Likely benign. Last evaluated: 2024-10-01. Review status: criteria provided, single submitter. Criteria: CeGaT Center For Human Genetics Tuebingen Variant Classification Criteria Version 2. Collection method: clinical testing. Allele origin: germline. Affected: yes. Observed: 1 variant allele.
Comment: OR1S2: BP4, BP7

NM_001004459.2(OR1S2):c.471T>G (p.Leu157=)

Gene: OR1S2 (olfactory receptor family 1 subfamily S member 2; minus strand). Cytogenetic location: 11q12.1.
Variant type: single nucleotide variant.
Coding change: c.471T>G on transcript NM_001004459.2 (MANE Select); coding-DNA position 471, T replaced by G.
Protein change: p.Leu157=; no amino-acid change (leucine 157 retained).
Molecular consequence: synonymous variant.
Genome position (GRCh38, 1-based): chr11:58,203,672, A>C on the plus strand (T>G on the coding strand, the complement: OR1S2 is on the minus strand). VCF-style: chr11-58203672-A-C. GRCh37 (hg19) VCF-style: chr11-57971144-A-C.
Identifiers: ClinVar variation 3388198 (VCV003388198.14).
Genomic context (GRCh38, chr11:58,203,672, plus strand): 5'-GAAGTGTGGGAGAGTGTTGTGGTCACAGAAGAGCAATTGAATGAGCAGAAGGGTGTGTGT[A>C]AGAGCAATAATATTACTGAGGAACCACGAGATGACTGTGAGCAAAGTGCCGAACCTGGCC-3'
Protein context (NP_001004459.2, residues 147-167): ISWFLSNIIA[Leu157=]THTLLLIQLL